The following is an entry in ClinVar:

NM_022455.5(NSD1):c.3524A>G (p.Asn1175Ser)

Gene: NSD1 (nuclear receptor binding SET domain protein 1; plus strand). Cytogenetic location: 5q35.3.
Variant type: single nucleotide variant.
Coding change: c.3524A>G on transcript NM_022455.5 (MANE Select); coding-DNA position 3524, A replaced by G.
Protein change: p.Asn1175Ser; replaces asparagine 1175 with serine.
Molecular consequence: missense variant.
Genome position (GRCh38, 1-based): chr5:177,211,923, A>G. VCF-style: chr5-177211923-A-G. GRCh37 (hg19) VCF-style: chr5-176638924-A-G.
Other names: c.2651A>G, p.Asn884Ser (NM_001365684.2, NM_001409306.1, NM_001409307.1 and 3 more transcripts); c.3524A>G, p.Asn1175Ser (NM_001409301.1, NM_001409302.1, NM_001409303.1); c.3104A>G, p.Asn1035Ser (NM_001409304.1); c.2771A>G, p.Asn924Ser (NM_001409305.1); short protein forms N1175S, N884S, N1035S, N924S.
Identifiers: ClinVar variation 4721380 (VCV004721380.1).

ClinVar aggregate classification (germline): Uncertain significance (1 of 4 stars; one submission).

Submission:

Labcorp Genetics (formerly Invitae), Labcorp
Classification: Uncertain significance. Last evaluated: 2025-05-08. Review status: criteria provided, single submitter. Criteria: Invitae Variant Classification Sherloc (09022015). Collection method: clinical testing. Allele origin: germline.
Comment: This sequence change replaces asparagine, which is neutral and polar, with serine, which is neutral and polar, at codon 1175 of the NSD1 protein (p.Asn1175Ser). This variant is not present in population databases (gnomAD no frequency). This variant has not been reported in the literature in individuals affected with NSD1-related conditions. Invitae Evidence Modeling of protein sequence and biophysical properties (such as structural, functional, and spatial information, amino acid conservation, physicochemical variation, residue mobility, and thermodynamic stability) indicates that this missense variant is not expected to disrupt NSD1 protein function with a negative predictive value of 95%. In summary, the available evidence is currently insufficient to determine the role of this variant in disease. Therefore, it has been classified as a Variant of Uncertain Significance.